The following is an entry in ClinVar:

NM_032578.4(MYPN):c.2924A>G (p.Lys975Arg)

Gene: MYPN (myopalladin; plus strand). Cytogenetic location: 10q21.3.
Variant type: single nucleotide variant.
Coding change: c.2924A>G on transcript NM_032578.4 (MANE Select); coding-DNA position 2924, A replaced by G.
Protein change: p.Lys975Arg; replaces lysine 975 with arginine.
Molecular consequence: missense variant. On other transcripts: non-coding transcript variant (2).
Genome position (GRCh38, 1-based): chr10:68,189,125, A>G. VCF-style: chr10-68189125-A-G. GRCh37 (hg19) VCF-style: chr10-69948882-A-G.
Other names: c.2924A>G (NM_032578.2); c.2924A>G, p.Lys975Arg (NM_001256267.2); c.2042A>G, p.Lys681Arg (NM_001256268.2); short protein forms K681R, K975R.
Identifiers: ClinVar variation 851040 (VCV000851040.10), dbSNP rs200507694, ClinGen allele CA5522892.

ClinVar aggregate classification (germline): Uncertain significance. Review status: criteria provided, multiple submitters, no conflicts (2 of 4 stars). 2 submissions from 2 submitters: Uncertain significance (2). Last evaluated 2025-08-13.

Conditions:
Cardiovascular phenotype. Identifiers: MedGen CN230736.
Dilated cardiomyopathy 1KK (CMD1KK). Identifiers: Orphanet 154, Orphanet 75249, MedGen C3714995, MONDO:0014100, OMIM 615248.

Allele frequency attached by ClinVar (database versions not stated): gnomAD 0.00001.
gnomAD v4.1: 17 of 1,612,720 alleles (0.0011%); highest among the groups gnomAD compares: African/African-American, 0.0013%; no homozygotes.

Submissions (2):

Ambry Genetics
Classification: Uncertain significance for Cardiovascular phenotype. Last evaluated: 2025-08-13. Review status: criteria provided, single submitter. Criteria: Ambry Variant Classification Scheme 2023. Collection method: clinical testing. Allele origin: germline.
Comment: The p.K975R variant (also known as c.2924A>G), located in coding exon 12 of the MYPN gene, results from an A to G substitution at nucleotide position 2924. The lysine at codon 975 is replaced by arginine, an amino acid with highly similar properties. This amino acid position is highly conserved in available vertebrate species. In addition, this alteration is predicted to be tolerated by in silico analysis. Based on the available evidence, the clinical significance of this variant remains unclear.

Labcorp Genetics (formerly Invitae), Labcorp
Classification: Uncertain significance for Dilated cardiomyopathy 1KK. Last evaluated: 2025-03-10. Review status: criteria provided, single submitter. Criteria: Invitae Variant Classification Sherloc (09022015). Collection method: clinical testing. Allele origin: germline.
Comment: This sequence change replaces lysine, which is basic and polar, with arginine, which is basic and polar, at codon 975 of the MYPN protein (p.Lys975Arg). This variant is present in population databases (rs200507694, gnomAD 0.0009%). This variant has not been reported in the literature in individuals affected with MYPN-related conditions. ClinVar contains an entry for this variant (Variation ID: 851040). An algorithm developed to predict the effect of missense changes on protein structure and function (PolyPhen-2) suggests that this variant is likely to be disruptive. Algorithms developed to predict the effect of sequence changes on RNA splicing suggest that this variant may disrupt the consensus splice site. In summary, the available evidence is currently insufficient to determine the role of this variant in disease. Therefore, it has been classified as a Variant of Uncertain Significance.